The following is an entry in ClinVar:

NM_001330700.2(TOP2B):c.389T>C (p.Ile130Thr)

Gene: TOP2B (DNA topoisomerase II beta; minus strand). Cytogenetic location: 3p24.2.
Variant type: single nucleotide variant.
Coding change: c.389T>C on transcript NM_001330700.2 (MANE Select); coding-DNA position 389, T replaced by C.
Protein change: p.Ile130Thr; replaces isoleucine 130 with threonine.
Molecular consequence: missense variant.
Genome position (GRCh38, 1-based): chr3:25,642,328, A>G on the plus strand (T>C on the coding strand, the complement: TOP2B is on the minus strand). VCF-style: chr3-25642328-A-G. GRCh37 (hg19) VCF-style: chr3-25683819-A-G.
Other names: c.374T>C, p.Ile125Thr (NM_001068.3); short protein forms I125T, I130T.
Identifiers: ClinVar variation 3631480 (VCV003631480.2).

ClinVar aggregate classification (germline): Uncertain significance (1 of 4 stars; one submission).

gnomAD v4.1: 2 of 1,539,806 alleles (0.00013%); highest among the groups gnomAD compares: African/African-American, 0.0028%; no homozygotes.

Submission:

Labcorp Genetics (formerly Invitae), Labcorp
Classification: Uncertain significance. Last evaluated: 2024-10-06. Review status: criteria provided, single submitter. Criteria: Invitae Variant Classification Sherloc (09022015). Collection method: clinical testing. Allele origin: germline.
Comment: This sequence change replaces isoleucine, which is neutral and non-polar, with threonine, which is neutral and polar, at codon 125 of the TOP2B protein (p.Ile125Thr). This variant is not present in population databases (gnomAD no frequency). This variant has not been reported in the literature in individuals affected with TOP2B-related conditions. An algorithm developed to predict the effect of missense changes on protein structure and function (PolyPhen-2) suggests that this variant is likely to be disruptive. In summary, the available evidence is currently insufficient to determine the role of this variant in disease. Therefore, it has been classified as a Variant of Uncertain Significance.